The following is an entry in ClinVar:

ClinVar aggregate classification (germline): Pathogenic/Likely pathogenic. Review status: criteria provided, multiple submitters, no conflicts (2 of 4 stars). 4 submissions from 4 submitters: Pathogenic (2); Likely pathogenic (1). 1 of the submissions does not count toward it. Last evaluated 2024-05-15.

Conditions:
Alkaptonuria (AKU). Also called: Alkaptonuric ochronosis; Homogentisic acidura; Alcaptonuria; HOMOGENTISIC ACID OXIDASE DEFICIENCY. Identifiers: Orphanet 56, MedGen C0002066, MONDO:0008753, OMIM 203500.

gnomAD v4.1: 2 of 1,612,016 alleles (0.00012%); highest among the groups gnomAD compares: South Asian, 0.0011%; no homozygotes.

Submissions (4):

Fulgent Genetics
Classification: Pathogenic for Alkaptonuria. Last evaluated: 2024-05-15. Review status: criteria provided, single submitter. Criteria: ACMG Guidelines, 2015. Collection method: clinical testing. Allele origin: germline.

Labcorp Genetics (formerly Invitae), Labcorp
Classification: Pathogenic for Alkaptonuria. Last evaluated: 2023-07-13. Review status: criteria provided, single submitter. Criteria: Invitae Variant Classification Sherloc (09022015). Collection method: clinical testing. Allele origin: germline.
Comment: For these reasons, this variant has been classified as Pathogenic. Algorithms developed to predict the effect of sequence changes on RNA splicing suggest that this variant may disrupt the consensus splice site. Disruption of this splice site has been observed in individual(s) with Alkaptonuria (PMID: 24575791). This variant is not present in population databases (gnomAD no frequency). This sequence change affects a donor splice site in intron 2 of the HGD gene. It is expected to disrupt RNA splicing. Variants that disrupt the donor or acceptor splice site typically lead to a loss of protein function (PMID: 16199547), and loss-of-function variants in HGD are known to be pathogenic (PMID: 12501223, 19862842).

Neuberg Centre For Genomic Medicine, NCGM
Classification: Likely pathogenic for Alkaptonuria. Review status: criteria provided, single submitter. Criteria: ACMG Guidelines, 2015. Collection method: clinical testing. Allele origin: germline. Inheritance: Autosomal recessive inheritance. Affected: yes.
Comment: The splice donor variant c.87+1G>A in HGD (NM_000187.4) has not been reported previously as a pathogenic variant nor as a benign variant, to our knowledge. The c.87+1G>A variant is novel (not in any individuals) in gnomAD Exomes and is novel (not in any individuals) in 1000 Genomes. This variant affects an invariant splice nucleotide and hence is predicted to cause protein truncation. For these reasons, this variant has been classified as Likely Pathogenic.

Department Of Human Genetics, Institute Of Clinical And Translational Research, Biomedical Research Center, Slovak Academy Of Sciences
Classification: Pathogenic for Alkaptonuria. Review status: no assertion criteria provided. Collection method: research. Allele origin: germline. Inheritance: Autosomal recessive inheritance. Affected: yes. Observed: 18 variant alleles. Not counted in ClinVar's aggregate classification.
Comment: The variant was originally described in PMID:24575791. It has been submitted to the HGD gene mutation database (DB-ID: AKU_00150).

Literature cited by the submitters: PubMed 24575791 (cited by Labcorp Genetics (formerly Invitae), Labcorp and Department Of Human Genetics, Institute Of Clinical And Translational Research, Biomedical Research Center, Slovak Academy Of Sciences); PubMed 16199547 (cited by Labcorp Genetics (formerly Invitae), Labcorp); PubMed 12501223 (cited by Labcorp Genetics (formerly Invitae), Labcorp); PubMed 19862842 (cited by Labcorp Genetics (formerly Invitae), Labcorp).

NM_000187.4(HGD):c.87+1G>A

Gene: HGD (homogentisate 1,2-dioxygenase; minus strand). Cytogenetic location: 3q13.33.
Variant type: single nucleotide variant.
Coding change: c.87+1G>A on transcript NM_000187.4 (MANE Select); the canonical splice donor site of the intron after coding-DNA position 87, G replaced by A.
Molecular consequence: splice donor variant.
Genome position (GRCh38, 1-based): chr3:120,675,791, C>T on the plus strand (G>A on the coding strand, the complement: HGD is on the minus strand). VCF-style: chr3-120675791-C-T. GRCh37 (hg19) VCF-style: chr3-120394638-C-T.
Other names: c.87+1G>A (NM_000187.3).
Identifiers: ClinVar variation 2584687 (VCV002584687.7), dbSNP rs2472804506, ClinGen allele CA354082523.
Genomic context (GRCh38, chr3:120,675,791, plus strand): 5'-TGAAAGCTAGTCATCCAGGAATAGGATTCAGAGCTCTTCTAAGCACTTTATTTGCTCATA[C>T]CTGTCCTTCTGGCAGGGAACCTGGGCAGCGAGGATCCTCTGAAGAACACTCATTCCCAAA-3'